The following is an entry in ClinVar:

NM_002691.4(POLD1):c.775G>A (p.Asp259Asn)

Gene: POLD1 (DNA polymerase delta 1, catalytic subunit; plus strand). Cytogenetic location: 19q13.33.
Variant type: single nucleotide variant.
Coding change: c.775G>A on transcript NM_002691.4 (MANE Select); coding-DNA position 775, G replaced by A.
Protein change: p.Asp259Asn; replaces aspartic acid 259 with asparagine.
Molecular consequence: missense variant. On other transcripts: non-coding transcript variant (1).
Genome position (GRCh38, 1-based): chr19:50,402,470, G>A. VCF-style: chr19-50402470-G-A. GRCh37 (hg19) VCF-style: chr19-50905727-G-A.
Other names: c.775G>A, p.Asp259Asn (NM_001256849.1, NM_001308632.1, NM_001438210.1 and 3 more transcripts); short protein forms D259N.
Identifiers: ClinVar variation 4862196 (VCV004862196.1).

ClinVar aggregate classification (germline): Uncertain significance (1 of 4 stars; one submission).

Conditions:
Hereditary cancer-predisposing syndrome. Also called: Neoplastic Syndromes, Hereditary; Tumor predisposition; Hereditary Cancer Syndrome; Hereditary neoplastic syndrome. Identifiers: Orphanet 140162, MedGen C0027672, MeSH D009386, MONDO:0015356.

gnomAD v4.1: 1 of 1,612,638 alleles (0.000062%); no homozygotes.

Submission:

Ambry Genetics
Classification: Uncertain significance for Hereditary cancer-predisposing syndrome. Last evaluated: 2026-05-14. Review status: criteria provided, single submitter. Criteria: Ambry Variant Classification Scheme 2023. Collection method: clinical testing. Allele origin: germline.
Comment: The p.D259N variant (also known as c.775G>A), located in coding exon 6 of the POLD1 gene, results from a G to A substitution at nucleotide position 775. The aspartic acid at codon 259 is replaced by asparagine, an amino acid with highly similar properties. This amino acid position is conserved. In addition, this alteration is predicted to be tolerated by in silico analysis. Based on the available evidence, the clinical significance of this variant remains unclear.